The following is an entry in ClinVar:

ClinVar aggregate classification (germline): Uncertain significance (1 of 4 stars; one submission).

Allele frequency attached by ClinVar (database versions not stated): gnomAD 0.00001; TOPMed 0.00001; gnomAD exomes 0.00002.
gnomAD v4.1: 23 of 1,569,858 alleles (0.0015%); highest among the groups gnomAD compares: Non-Finnish European, 0.002%; no homozygotes.

Submission:

Labcorp Genetics (formerly Invitae), Labcorp
Classification: Uncertain significance. Last evaluated: 2024-11-15. Review status: criteria provided, single submitter. Criteria: Invitae Variant Classification Sherloc (09022015). Collection method: clinical testing. Allele origin: germline.
Comment: This sequence change replaces alanine, which is neutral and non-polar, with valine, which is neutral and non-polar, at codon 20 of the RNF31 protein (p.Ala20Val). This variant is not present in population databases (gnomAD no frequency). This variant has not been reported in the literature in individuals affected with RNF31-related conditions. ClinVar contains an entry for this variant (Variation ID: 2900829). An algorithm developed to predict the effect of missense changes on protein structure and function (PolyPhen-2) suggests that this variant is likely to be tolerated. In summary, the available evidence is currently insufficient to determine the role of this variant in disease. Therefore, it has been classified as a Variant of Uncertain Significance.

NM_017999.5(RNF31):c.59C>T (p.Ala20Val)

Genes: RNF31 (ring finger protein 31; plus strand), LOC121468009 (Sharpr-MPRA regulatory region 11827; plus strand). Cytogenetic location: 14q12.
Variant type: single nucleotide variant.
Coding change: c.59C>T on transcript NM_017999.5 (MANE Select); coding-DNA position 59, C replaced by T.
Protein change: p.Ala20Val; replaces alanine 20 with valine.
Molecular consequence: missense variant. On other transcripts: intron variant (1).
Genome position (GRCh38, 1-based): chr14:24,147,757, C>T. VCF-style: chr14-24147757-C-T. GRCh37 (hg19) VCF-style: chr14-24616966-C-T.
Other names: c.-325-219C>T (NM_001310332.2); short protein forms A20V.
Identifiers: ClinVar variation 2900829 (VCV002900829.3), dbSNP rs981634882, ClinGen allele CA257872109.
Genomic context (GRCh38, chr14:24,147,757, plus strand): 5'-GGATGCCGGGGGAGGAAGAGGAGCGGGCCTTCCTGGTGGCCCGCGAGGAGCTGGCGAGCG[C>T]CCTGAGGAGGGATTCCGGGCAGGCGTTTTCCCTGGAGCAGCTCCGGCCGCTACTAGCCAG-3'
Protein context (NP_060469.4, residues 10-30): FLVAREELAS[Ala20Val]LRRDSGQAFS